The following is an entry in ClinVar:

NM_020937.4(FANCM):c.1888C>T (p.Pro630Ser)

Gene: FANCM (FA complementation group M; plus strand). Cytogenetic location: 14q21.2.
Variant type: single nucleotide variant.
Coding change: c.1888C>T on transcript NM_020937.4 (MANE Select); coding-DNA position 1888, C replaced by T.
Protein change: p.Pro630Ser; replaces proline 630 with serine.
Molecular consequence: missense variant.
Genome position (GRCh38, 1-based): chr14:45,167,049, C>T. VCF-style: chr14-45167049-C-T. GRCh37 (hg19) VCF-style: chr14-45636252-C-T.
Other names: c.1810C>T, p.Pro604Ser (NM_001308133.2); c.1888C>T, p.Pro630Ser (NM_001308134.2); short protein forms P630S, P604S.
Identifiers: ClinVar variation 4022871 (VCV004022871.1).
Genomic context (GRCh38, chr14:45,167,049, plus strand): 5'-AAAGCTATTTCAAGTAACAGGCAGGTCCTTCATTTTTACCAAAGAAGTCCACGAATGGTT[C>T]CTGATGGAATCAACCCAAAATTACACAAAATGTTCATCACACATGGTGTCTATGAACCAG-3'
Protein context (NP_065988.1, residues 620-640): HFYQRSPRMV[Pro630Ser]DGINPKLHKM

ClinVar aggregate classification (germline): Uncertain significance (1 of 4 stars; one submission).

Conditions:
Inborn genetic diseases. Identifiers: MedGen C0950123, MeSH D030342.

Submission:

Ambry Genetics
Classification: Uncertain significance for Inborn genetic diseases. Last evaluated: 2025-06-09. Review status: criteria provided, single submitter. Criteria: Ambry Variant Classification Scheme 2023. Collection method: clinical testing. Allele origin: germline.
Comment: The p.P630S variant (also known as c.1888C>T), located in coding exon 11 of the FANCM gene, results from a C to T substitution at nucleotide position 1888. The proline at codon 630 is replaced by serine, an amino acid with similar properties. This amino acid position is conserved. In addition, the in silico prediction for this alteration is inconclusive. Based on the available evidence, the clinical significance of this variant remains unclear.